The following is an entry in ClinVar:

NM_130837.3(OPA1):c.1690T>C (p.Ser564Pro)

Gene: OPA1 (OPA1 mitochondrial dynamin like GTPase; plus strand). Cytogenetic location: 3q29.
Variant type: single nucleotide variant.
Coding change: c.1690T>C on transcript NM_130837.3 (MANE Select); coding-DNA position 1690, T replaced by C.
Protein change: p.Ser564Pro; replaces serine 564 with proline.
Molecular consequence: missense variant.
Genome position (GRCh38, 1-based): chr3:193,645,736, T>C. VCF-style: chr3-193645736-T-C. GRCh37 (hg19) VCF-style: chr3-193363525-T-C.
Other names: c.1156T>C, p.Ser386Pro (NM_001354663.2); c.1153T>C, p.Ser385Pro (NM_001354664.2); c.1525T>C, p.Ser509Pro (NM_015560.3); c.1417T>C, p.Ser473Pro (NM_130831.3); c.1471T>C, p.Ser491Pro (NM_130832.3); c.1528T>C, p.Ser510Pro (NM_130833.3); c.1579T>C, p.Ser527Pro (NM_130834.3); c.1582T>C, p.Ser528Pro (NM_130835.3); and 1 more; short protein forms S385P, S386P, S473P, S491P, S509P, S510P, S527P, S528P.
Identifiers: ClinVar variation 1319000 (VCV001319000.2), dbSNP rs1467607281, ClinGen allele CA355790183.

ClinVar aggregate classification (germline): Uncertain significance (1 of 4 stars; one submission).

Allele frequency attached by ClinVar (database versions not stated): gnomAD exomes below 0.00001; TOPMed 0.00001; gnomAD 0.00002.
gnomAD v4.1: 5 of 1,613,516 alleles (0.00031%); highest among the groups gnomAD compares: African/African-American, 0.0053%; no homozygotes.

Submission:

GeneDx
Classification: Uncertain significance. Last evaluated: 2019-03-14. Review status: criteria provided, single submitter. Criteria: GeneDx Variant Classification Process June 2021. Collection method: clinical testing. Allele origin: germline. Affected: yes.
Comment: Has not been previously published as pathogenic or benign to our knowledge; In silico analysis, which includes protein predictors and evolutionary conservation, supports that this variant does not alter protein structure/function